The following is an entry in ClinVar:

ClinVar aggregate classification (germline): Uncertain significance (1 of 4 stars; one submission).

Conditions:
Polyhydramnios, megalencephaly, and symptomatic epilepsy (PMSE). Also called: PMSE SYNDROME. Identifiers: Orphanet 500533, MedGen C1970203, MONDO:0012611, OMIM 611087.

Allele frequency attached by ClinVar (database versions not stated): gnomAD 0.00001; gnomAD exomes 0.00001; ExAC 0.00002.
gnomAD v4.1: 15 of 1,614,060 alleles (0.00093%); highest among the groups gnomAD compares: African/African-American, 0.0013%; 1 homozygote.

Submission:

Labcorp Genetics (formerly Invitae), Labcorp
Classification: Uncertain significance for Polyhydramnios, megalencephaly, and symptomatic epilepsy. Last evaluated: 2022-09-01. Review status: criteria provided, single submitter. Criteria: Invitae Variant Classification Sherloc (09022015). Collection method: clinical testing. Allele origin: germline.
Comment: In summary, the available evidence is currently insufficient to determine the role of this variant in disease. Therefore, it has been classified as a Variant of Uncertain Significance. Algorithms developed to predict the effect of missense changes on protein structure and function output the following: SIFT: "Tolerated"; PolyPhen-2: "Benign"; Align-GVGD: "Class C0". The serine amino acid residue is found in multiple mammalian species, which suggests that this missense change does not adversely affect protein function. This variant has not been reported in the literature in individuals affected with STRADA-related conditions. This variant is present in population databases (rs780562744, gnomAD 0.005%), including at least one homozygous and/or hemizygous individual. This sequence change replaces asparagine, which is neutral and polar, with serine, which is neutral and polar, at codon 126 of the STRADA protein (p.Asn126Ser).

NM_001003787.4(STRADA):c.377A>G (p.Asn126Ser)

Gene: STRADA (STE20 related adaptor alpha; minus strand). Cytogenetic location: 17q23.3.
Variant type: single nucleotide variant.
Coding change: c.377A>G on transcript NM_001003787.4 (MANE Select); coding-DNA position 377, A replaced by G.
Protein change: p.Asn126Ser; replaces asparagine 126 with serine.
Molecular consequence: missense variant. On other transcripts: non-coding transcript variant (1).
Genome position (GRCh38, 1-based): chr17:63,710,808, T>C on the plus strand (A>G on the coding strand, the complement: STRADA is on the minus strand). VCF-style: chr17-63710808-T-C. GRCh37 (hg19) VCF-style: chr17-61788168-T-C.
Other names: c.266A>G, p.Asn89Ser (NM_001003786.3, NM_001363789.1, NM_153335.6); c.203A>G, p.Asn68Ser (NM_001003788.3, NM_001363790.1, NM_001363791.1); c.290A>G, p.Asn97Ser (NM_001165969.2, NM_001363787.1, NM_001411084.1); c.245A>G, p.Asn82Ser (NM_001165970.2); c.353A>G, p.Asn118Ser (NM_001363786.1); c.377A>G, p.Asn126Ser (NM_001363788.1, NM_001411083.1, NM_001411085.1); short protein forms N126S, N82S, N89S, N118S, N68S, N97S.
Identifiers: ClinVar variation 1984110 (VCV001984110.4), dbSNP rs780562744, ClinGen allele CA8703407.